The following is an entry in ClinVar:

NM_005560.6(LAMA5):c.10238G>A (p.Arg3413His)

Gene: LAMA5 (laminin subunit alpha 5; minus strand). Cytogenetic location: 20q13.33.
Variant type: single nucleotide variant.
Coding change: c.10238G>A on transcript NM_005560.6 (MANE Select); coding-DNA position 10238, G replaced by A.
Protein change: p.Arg3413His; replaces arginine 3413 with histidine.
Molecular consequence: missense variant.
Genome position (GRCh38, 1-based): chr20:62,310,945, C>T on the plus strand (G>A on the coding strand, the complement: LAMA5 is on the minus strand). VCF-style: chr20-62310945-C-T. GRCh37 (hg19) VCF-style: chr20-60886001-C-T.
Other names: c.10238G>A (NM_005560.3); short protein forms R3413H.
Identifiers: ClinVar variation 722429 (VCV000722429.12), dbSNP rs150860855, ClinGen allele CA9939870.

ClinVar aggregate classification (germline): Conflicting classifications of pathogenicity. Review status: criteria provided, conflicting classifications (1 of 4 stars). 3 submissions from 3 submitters: Uncertain significance (1); Likely benign (1). 1 of the submissions does not count toward it. Last evaluated 2025-10-26.

Conditions:
LAMA5-related disorder. Also called: LAMA5-related condition; LAMA5-Related Disorders.
Inborn genetic diseases. Identifiers: MedGen C0950123, MeSH D030342.

Allele frequency attached by ClinVar (database versions not stated): ExAC 0.00037; gnomAD exomes 0.00037; gnomAD 0.00089; ESP Exome Variant Server 0.00134; TOPMed 0.00143; 1000 Genomes Project 0.00160; 1000 Genomes Project 30x 0.00172.
gnomAD v4.1: 397 of 1,611,160 alleles (0.025%); highest among the groups gnomAD compares: African/African-American, 0.39%; no homozygotes.

Submissions (3):

Labcorp Genetics (formerly Invitae), Labcorp
Classification: Likely benign. Last evaluated: 2025-10-26. Review status: criteria provided, single submitter. Criteria: Invitae Variant Classification Sherloc (09022015). Collection method: clinical testing. Allele origin: germline.

Ambry Genetics
Classification: Uncertain significance for Inborn genetic diseases. Last evaluated: 2023-04-25. Review status: criteria provided, single submitter. Criteria: Ambry Variant Classification Scheme 2023. Collection method: clinical testing. Allele origin: germline.

PreventionGenetics, part of Exact Sciences
Classification: Likely benign for LAMA5-related condition. Last evaluated: 2023-04-24. Review status: no assertion criteria provided. Collection method: clinical testing. Allele origin: germline. Not counted in ClinVar's aggregate classification.
Comment: This variant is classified as likely benign based on ACMG/AMP sequence variant interpretation guidelines (Richards et al. 2015 PMID: 25741868, with internal and published modifications).